The following is an entry in ClinVar:

ClinVar aggregate classification (germline): Uncertain significance. Review status: criteria provided, multiple submitters, no conflicts (2 of 4 stars). 2 submissions from 2 submitters: Uncertain significance (2). Last evaluated 2026-01-11.

Conditions:
Inborn genetic diseases. Identifiers: MedGen C0950123, MeSH D030342.

gnomAD v4.1: 8 of 1,427,736 alleles (0.00056%); highest among the groups gnomAD compares: Non-Finnish European, 0.00074%; no homozygotes.

Submissions (2):

Labcorp Genetics (formerly Invitae), Labcorp
Classification: Uncertain significance. Last evaluated: 2026-01-11. Review status: criteria provided, single submitter. Criteria: Invitae Variant Classification Sherloc (09022015). Collection method: clinical testing. Allele origin: germline.
Comment: This sequence change replaces proline, which is neutral and non-polar, with serine, which is neutral and polar, at codon 1543 of the SETBP1 protein (p.Pro1543Ser). This variant is not present in population databases (gnomAD no frequency). This variant has not been reported in the literature in individuals affected with SETBP1-related conditions. ClinVar contains an entry for this variant (Variation ID: 4163088). Invitae Evidence Modeling of protein sequence and biophysical properties (such as structural, functional, and spatial information, amino acid conservation, physicochemical variation, residue mobility, and thermodynamic stability) indicates that this missense variant is not expected to disrupt SETBP1 protein function with a negative predictive value of 80%. In summary, the available evidence is currently insufficient to determine the role of this variant in disease. Therefore, it has been classified as a Variant of Uncertain Significance.

Ambry Genetics
Classification: Uncertain significance for Inborn genetic diseases. Last evaluated: 2025-06-24. Review status: criteria provided, single submitter. Criteria: Ambry Variant Classification Scheme 2023. Collection method: clinical testing. Allele origin: germline.

NM_015559.3(SETBP1):c.4627C>T (p.Pro1543Ser)

Gene: SETBP1 (SET binding protein 1; plus strand). Cytogenetic location: 18q12.3.
Variant type: single nucleotide variant.
Coding change: c.4627C>T on transcript NM_015559.3 (MANE Select); coding-DNA position 4627, C replaced by T.
Protein change: p.Pro1543Ser; replaces proline 1543 with serine.
Molecular consequence: missense variant.
Genome position (GRCh38, 1-based): chr18:45,063,534, C>T. VCF-style: chr18-45063534-C-T. GRCh37 (hg19) VCF-style: chr18-42643499-C-T.
Other names: c.4627C>T, p.Pro1543Ser (NM_001379141.1, NM_001379142.1); c.4456C>T, p.Pro1486Ser (NM_001410862.1); short protein forms P1543S, P1486S.
Identifiers: ClinVar variation 4163088 (VCV004163088.2).